The following is an entry in ClinVar:

ClinVar aggregate classification (germline): Uncertain significance. Review status: criteria provided, multiple submitters, no conflicts (2 of 4 stars). 2 submissions from 2 submitters: Uncertain significance (2). Last evaluated 2024-12-03.

gnomAD v4.1: 1 of 1,210,502 alleles (0.000083%); highest among the groups gnomAD compares: Non-Finnish European, 0.00011%; no homozygotes.

Submissions (2):

Labcorp Genetics (formerly Invitae), Labcorp
Classification: Uncertain significance. Last evaluated: 2024-12-03. Review status: criteria provided, single submitter. Criteria: Invitae Variant Classification Sherloc (09022015). Collection method: clinical testing. Allele origin: germline.
Comment: This sequence change replaces glutamine, which is neutral and polar, with histidine, which is basic and polar, at codon 82 of the ZC4H2 protein (p.Gln82His). This variant is not present in population databases (gnomAD no frequency). This variant has not been reported in the literature in individuals affected with ZC4H2-related conditions. ClinVar contains an entry for this variant (Variation ID: 1703983). An algorithm developed to predict the effect of missense changes on protein structure and function (PolyPhen-2) suggests that this variant is likely to be disruptive. In summary, the available evidence is currently insufficient to determine the role of this variant in disease. Therefore, it has been classified as a Variant of Uncertain Significance.

GeneDx
Classification: Uncertain significance. Last evaluated: 2022-02-28. Review status: criteria provided, single submitter. Criteria: GeneDx Variant Classification Process June 2021. Collection method: clinical testing. Allele origin: germline. Affected: yes.
Comment: Not observed at significant frequency in large population cohorts (gnomAD); In silico analysis supports that this missense variant has a deleterious effect on protein structure/function; Has not been previously published as pathogenic or benign to our knowledge

NM_018684.4(ZC4H2):c.246A>T (p.Gln82His)

Gene: ZC4H2 (zinc finger C4H2-type containing; minus strand). Cytogenetic location: Xq11.2.
Variant type: single nucleotide variant.
Coding change: c.246A>T on transcript NM_018684.4 (MANE Select); coding-DNA position 246, A replaced by T.
Protein change: p.Gln82His; replaces glutamine 82 with histidine.
Molecular consequence: missense variant. On other transcripts: non-coding transcript variant (1).
Genome position (GRCh38, 1-based): chrX:64,920,233, T>A on the plus strand (A>T on the coding strand, the complement: ZC4H2 is on the minus strand). VCF-style: chrX-64920233-T-A. GRCh37 (hg19) VCF-style: chrX-64140113-T-A.
Other names: c.177A>T, p.Gln59His (NM_001178032.3, NM_001243804.2); c.246A>T, p.Gln82His (NM_001178033.3); short protein forms Q59H, Q82H.
Identifiers: ClinVar variation 1703983 (VCV001703983.7), dbSNP rs778806442, ClinGen allele CA413412026.
Genomic context (GRCh38, chrX:64,920,233, plus strand): 5'-CTTATACTCATCATGCAGCCTCCTTGTAGACTCTAGCAGCTTGTTTAGGTCATTCTCAGA[T>A]TGTTTGATAGTGTTTTCCATCTGGAACATAGAGTGGGATAGGCACAGAGAAAAGATCCTA-3'
Protein context (NP_061154.1, residues 72-92): DINVMENTIK[Gln82His]SENDLNKLLE